The following is an entry in ClinVar:

NM_002528.7(NTHL1):c.241_242insT (p.Pro81fs)

Gene: NTHL1 (nth like DNA glycosylase 1; minus strand). Cytogenetic location: 16p13.3.
Variant type: Insertion.
Coding change: c.241_242insT on transcript NM_002528.7 (MANE Select); coding-DNA positions 241 to 242, T inserted.
Protein change: p.Pro81fs; shifts the reading frame from proline 81.
Molecular consequence: frameshift variant. On other transcripts: intron variant (1).
Genome position: GRCh38 VCF-style: chr16-2046240-G-GA. GRCh37 (hg19) VCF-style: chr16-2096241-G-GA.
Other names: c.241_242insT, p.Pro81fs (NM_001318193.2); c.24+39_24+40insT (NM_001318194.2); short protein forms P81fs.
Identifiers: ClinVar variation 1692692 (VCV001692692.1), dbSNP rs2150946263, ClinGen allele CA2573151821.
Genomic context (GRCh38, chr16:2,046,240, plus strand): 5'-GGTGCATCCTTTTTGTTCCTCATGGCACGGATGTTGACCAGCTGTTGCTGCCAGTCCTGG[G>GA]GCTCCCAGACTGGCACCTTGAGGGGCTCAGCCCCCTCACCTTTCTCACTGTCCGAGCCCT-3'

ClinVar aggregate classification (germline): Likely pathogenic (1 of 4 stars; one submission).

Conditions:
Hereditary cancer-predisposing syndrome. Also called: Hereditary Cancer Syndrome; Hereditary neoplastic syndrome; Neoplastic Syndromes, Hereditary; Tumor predisposition. Identifiers: Orphanet 140162, MedGen C0027672, MeSH D009386, MONDO:0015356.

Submission:

Sema4
Classification: Likely pathogenic for Hereditary cancer-predisposing syndrome. Last evaluated: 2022-02-25. Review status: criteria provided, single submitter. Criteria: Sema4 Curation Guidelines. Collection method: curation. Allele origin: germline.
Comment: To the best of our knowledge, the NTHL1 c.265_266insT (p.P89LfsX28) variant has not been reported in individuals with NTHL1-related disease. This variant causes a frameshift at amino acid 89 that results in premature termination 28 amino acids downstream. At this location, this is predicted to cause either a disrupted protein or nonsense-mediated decay resulting in an absent protein (loss of function). Loss-of-function variants in NTHL1 are known to be pathogenic (PMID: 25938944). This variant is not reported in the population database Genome Aggregation Database (PMID: 27535533). The variant has not been reported in ClinVar. Based on the current evidence available, this variant is interpreted as likely pathogenic.

Literature cited by the submitters: PubMed 25938944.